The following is an entry in ClinVar:

ClinVar aggregate classification (germline): Uncertain significance. Review status: criteria provided, multiple submitters, no conflicts (2 of 4 stars). 2 submissions from 2 submitters: Uncertain significance (2). Last evaluated 2025-04-08.

Conditions:
Cohen syndrome (COH1). Also called: Cutis verticis gyrata, retinitis pigmentosa, and sensorineural deafness; PEPPER SYNDROME. Identifiers: Orphanet 193, MedGen C0265223, MONDO:0008999, OMIM 216550.
VPS13B-related disorder. Also called: VPS13B-related condition.

Allele frequency attached by ClinVar (database versions not stated): gnomAD exomes below 0.00001 and 0.00001; TOPMed 0.00002.
gnomAD v4.1: 6 of 1,595,754 alleles (0.00038%); highest among the groups gnomAD compares: African/African-American, 0.0013%; no homozygotes.

Submissions (2):

PreventionGenetics, part of Exact Sciences
Classification: Uncertain significance for VPS13B-related condition. Last evaluated: 2025-04-08. Review status: criteria provided, single submitter. Criteria: ACMG Guidelines, 2015. Collection method: clinical testing. Allele origin: germline.
Comment: The VPS13B c.11059A>G variant is predicted to result in the amino acid substitution p.Ile3687Val. To our knowledge, this variant has not been reported in the literature. This variant is reported in 0.0075% of alleles in individuals of African descent in gnomAD. At this time, the clinical significance of this variant is uncertain due to the absence of conclusive functional and genetic evidence.

Labcorp Genetics (formerly Invitae), Labcorp
Classification: Uncertain significance for Cohen syndrome. Last evaluated: 2022-05-11. Review status: criteria provided, single submitter. Criteria: Invitae Variant Classification Sherloc (09022015). Collection method: clinical testing. Allele origin: germline.
Comment: This sequence change replaces isoleucine, which is neutral and non-polar, with valine, which is neutral and non-polar, at codon 3712 of the VPS13B protein (p.Ile3712Val). This variant is present in population databases (no rsID available, gnomAD 0.008%). This variant has not been reported in the literature in individuals affected with VPS13B-related conditions. Algorithms developed to predict the effect of missense changes on protein structure and function are either unavailable or do not agree on the potential impact of this missense change (SIFT: "Not Available"; PolyPhen-2: "Benign"; Align-GVGD: "Not Available"). In summary, the available evidence is currently insufficient to determine the role of this variant in disease. Therefore, it has been classified as a Variant of Uncertain Significance.

NM_152564.5(VPS13B):c.11059A>G (p.Ile3687Val)

Gene: VPS13B (vacuolar protein sorting 13 homolog B; plus strand). Cytogenetic location: 8q22.2.
Variant type: single nucleotide variant.
Coding change: c.11059A>G on transcript NM_152564.5 (MANE Select); coding-DNA position 11059, A replaced by G.
Protein change: p.Ile3687Val; replaces isoleucine 3687 with valine.
Molecular consequence: missense variant.
Genome position (GRCh38, 1-based): chr8:99,861,790, A>G. VCF-style: chr8-99861790-A-G. GRCh37 (hg19) VCF-style: chr8-100874018-A-G.
Other names: c.11134A>G, p.Ile3712Val (NM_017890.5); c.11059A>G (NM_152564.4); short protein forms I3687V, I3712V.
Identifiers: ClinVar variation 1509168 (VCV001509168.9), dbSNP rs1045389239, ClinGen allele CA182321295.